The following is an entry in ClinVar:

ClinVar aggregate classification (germline): Uncertain significance (1 of 4 stars; one submission).

Submission:

GeneDx
Classification: Uncertain significance. Last evaluated: 2023-04-28. Review status: criteria provided, single submitter. Criteria: GeneDx Variant Classification Process June 2021. Collection method: clinical testing. Allele origin: germline. Affected: yes.
Comment: Not observed at significant frequency in large population cohorts (gnomAD); In silico analysis supports that this missense variant does not alter protein structure/function; Has not been previously published as pathogenic or benign to our knowledge

NM_005257.6(GATA6):c.685T>A (p.Ser229Thr)

Gene: GATA6 (GATA binding protein 6; plus strand). Cytogenetic location: 18q11.2.
Variant type: single nucleotide variant.
Coding change: c.685T>A on transcript NM_005257.6 (MANE Select); coding-DNA position 685, T replaced by A.
Protein change: p.Ser229Thr; replaces serine 229 with threonine.
Molecular consequence: missense variant.
Genome position (GRCh38, 1-based): chr18:22,171,829, T>A. VCF-style: chr18-22171829-T-A. GRCh37 (hg19) VCF-style: chr18-19751790-T-A.
Other names: short protein forms S229T.
Identifiers: ClinVar variation 3343129 (VCV003343129.1).